The following is an entry in ClinVar:

NM_000169.3(GLA):c.1232del (p.Gly411fs)

Genes: GLA (galactosidase alpha; minus strand), RPL36A-HNRNPH2 (RPL36A-HNRNPH2 readthrough; plus strand). Cytogenetic location: Xq22.1.
Variant type: Deletion.
Coding change: c.1232del on transcript NM_000169.3 (MANE Select); coding-DNA position 1232, one base deleted (G; older notation c.1232delG).
Protein change: p.Gly411fs; shifts the reading frame from glycine 411.
Molecular consequence: frameshift variant. On other transcripts: non-coding transcript variant (3), intron variant (2).
Genome position (GRCh38, 1-based): chrX:101,397,867, C deleted on the plus strand (G on the coding strand, the reverse complement: GLA is on the minus strand); the first of 2 consecutive C bases (chrX:101,397,867-101,397,868); deleting either gives the same sequence. VCF-style (leftmost placement, unchanged base first): chrX-101397866-GC-G. GRCh37 (hg19) VCF-style: chrX-100652854-GC-G.
Other names: c.1355del, p.Gly452fs (NM_001406747.1); c.300+2411del (NM_001199973.2); c.177+6046del (NM_001199974.2); short protein forms G411fs, G452fs.
Identifiers: ClinVar variation 4974848 (VCV004974848.1).

ClinVar aggregate classification (germline): Pathogenic (1 of 4 stars; one submission).

Conditions:
Fabry disease. Also called: Fabry's disease; ALPHA-GALACTOSIDASE A DEFICIENCY; ANDERSON-FABRY DISEASE; CERAMIDE TRIHEXOSIDASE DEFICIENCY; GLA DEFICIENCY; HEREDITARY DYSTOPIC LIPIDOSIS. Identifiers: Orphanet 324, MedGen C0002986, MONDO:0010526, OMIM 301500, HP:0001071. Disease mechanism: Fabry disease is due to inactivating mutations in the X-linked GLA gene resulting in deficiency of the enzyme Alpha Galactosidase-A., loss of function.

Submission:

Genomenon, Inc
Classification: Pathogenic for Fabry disease. Last evaluated: 2026-09-08. Review status: criteria provided, single submitter. Criteria: Genomenon Sequence Variant Interpretation Standards - Updated. Collection method: curation. Allele origin: germline. Affected: yes.
Comment: GLA p.Gly411AlafsTer7 (c.1232del) is a frameshift variant that is predicted to introduce a premature termination codon and result in a truncated or absent protein product. This variant has been observed in at least one proband with clinical features consistent with Fabry disease (PMID:39980015). It is absent or not present at a significant frequency in gnomAD. In conclusion, we classify GLA p.Gly411AlafsTer7 (c.1232del) as a pathogenic variant.

Literature cited by the submitters: PubMed 39980015.